The following is an entry in ClinVar:

ClinVar aggregate classification (germline): Uncertain significance (1 of 4 stars; one submission).

gnomAD v4.1: 3 of 1,168,154 alleles (0.00026%); highest among the groups gnomAD compares: Non-Finnish European, 0.00023%; no homozygotes.

Submission:

Labcorp Genetics (formerly Invitae), Labcorp
Classification: Uncertain significance. Last evaluated: 2025-05-14. Review status: criteria provided, single submitter. Criteria: Invitae Variant Classification Sherloc (09022015). Collection method: clinical testing. Allele origin: germline.
Comment: This sequence change replaces aspartic acid, which is acidic and polar, with glutamic acid, which is acidic and polar, at codon 976 of the STAG2 protein (p.Asp976Glu). This variant is not present in population databases (gnomAD no frequency). This variant has not been reported in the literature in individuals affected with STAG2-related conditions. Invitae Evidence Modeling of protein sequence and biophysical properties (such as structural, functional, and spatial information, amino acid conservation, physicochemical variation, residue mobility, and thermodynamic stability) indicates that this missense variant is not expected to disrupt STAG2 protein function with a negative predictive value of 80%. In summary, the available evidence is currently insufficient to determine the role of this variant in disease. Therefore, it has been classified as a Variant of Uncertain Significance.

NM_001042750.2(STAG2):c.2928T>A (p.Asp976Glu)

Gene: STAG2 (STAG2 cohesin complex component; plus strand). Cytogenetic location: Xq25.
Variant type: single nucleotide variant.
Coding change: c.2928T>A on transcript NM_001042750.2 (MANE Select); coding-DNA position 2928, T replaced by A.
Protein change: p.Asp976Glu; replaces aspartic acid 976 with glutamic acid.
Molecular consequence: missense variant.
Genome position (GRCh38, 1-based): chrX:124,083,424, T>A. VCF-style: chrX-124083424-T-A. GRCh37 (hg19) VCF-style: chrX-123217274-T-A.
Other names: c.2928T>A, p.Asp976Glu (NM_001042749.2, NM_001042751.2, NM_001282418.2 and 23 more transcripts); short protein forms D976E.
Identifiers: ClinVar variation 4743669 (VCV004743669.1).